The following is an entry in ClinVar:

NM_025137.4(SPG11):c.4746_4747insTG (p.Asn1583Ter)

Gene: SPG11 (SPG11 vesicle trafficking associated, spatacsin; minus strand). Cytogenetic location: 15q21.1.
Variant type: Insertion.
Coding change: c.4746_4747insTG on transcript NM_025137.4 (MANE Select); coding-DNA positions 4746 to 4747, TG inserted.
Protein change: p.Asn1583Ter; replaces asparagine 1583 with a stop codon.
Molecular consequence: nonsense.
Genome position: GRCh38 VCF-style: chr15-44589411-T-TCA. GRCh37 (hg19) VCF-style: chr15-44881609-T-TCA.
Other names: p.Asn1583*; c.4746_4747insTG, p.Asn1583Ter (NM_001160227.2); short protein forms N1583*.
Identifiers: ClinVar variation 632235 (VCV000632235.14), dbSNP rs764186203, ClinGen allele CA7534585.
Genomic context (GRCh38, chr15:44,589,411, plus strand): 5'-ACACCTGATCCTCCAGCCACATGGCAGGGATGACAGGGTGGACCTTTGTGGCTGCTGTGT[T>TCA]AAGCTATGAAAGAAAAAGAGAAGCTTAGGGAAAGCAGTTTCATGAGAATAGCAAATCAAA-3'

ClinVar aggregate classification (germline): Pathogenic/Likely pathogenic. Review status: criteria provided, multiple submitters, no conflicts (2 of 4 stars). 3 submissions from 3 submitters: Pathogenic (2); Likely pathogenic (1). Last evaluated 2023-09-26.

Conditions:
Inborn genetic diseases. Identifiers: MedGen C0950123, MeSH D030342.
Hereditary spastic paraplegia 11. Also called: Nakamura Osame syndrome; Autosomal recessive hereditary spastic paraplegia, mental impairment, and thin corpus callosum; SPASTIC PARAPLEGIA, AUTOSOMAL RECESSIVE, COMPLICATED, WITH THIN CORPUS CALLOSUM; SPASTIC PARAPLEGIA, AUTOSOMAL RECESSIVE, WITH MENTAL IMPAIRMENT AND THIN CORPUS CALLOSUM; Spastic Paraplegia 11; Spastic paraplegia, mental retardation and thin corpus callosum. Identifiers: Orphanet 2822, MedGen C1858479, MONDO:0011445, OMIM 604360.

Allele frequency attached by ClinVar (database versions not stated): ExAC 0.00001; gnomAD exomes 0.00001; gnomAD 0.00002; TOPMed 0.00002.

Submissions (3):

Labcorp Genetics (formerly Invitae), Labcorp
Classification: Pathogenic for Hereditary spastic paraplegia 11. Last evaluated: 2023-09-26. Review status: criteria provided, single submitter. Criteria: Invitae Variant Classification Sherloc (09022015). Collection method: clinical testing. Allele origin: germline.
Comment: This sequence change creates a premature translational stop signal (p.Asn1583*) in the SPG11 gene. It is expected to result in an absent or disrupted protein product. Loss-of-function variants in SPG11 are known to be pathogenic (PMID: 19105190, 20110243, 22154821, 26556829). This variant is present in population databases (rs764186203, gnomAD 0.002%). This variant has not been reported in the literature in individuals affected with SPG11-related conditions. ClinVar contains an entry for this variant (Variation ID: 632235). For these reasons, this variant has been classified as Pathogenic.

Mayo Clinic Laboratories, Mayo Clinic
Classification: Likely pathogenic. Last evaluated: 2023-06-14. Review status: criteria provided, single submitter. Criteria: ACMG Guidelines, 2015. Collection method: clinical testing. Allele origin: germline. Observed: 1 variant allele.
Comment: PM2_moderate, PVS1

Ambry Genetics
Classification: Pathogenic for Inborn genetic diseases. Last evaluated: 2023-05-12. Review status: criteria provided, single submitter. Criteria: Ambry Variant Classification Scheme 2023. Collection method: clinical testing. Allele origin: germline.
Comment: The c.4746_4747insTG (p.N1583*) alteration, located in exon 28 (coding exon 28) of the SPG11 gene, consists of an insertion of TG at position 4746. This changes the amino acid from an asparagine (N) to a stop codon at amino acid position 1583. This alteration is expected to result in loss of function by premature protein truncation or nonsense-mediated mRNA decay. Based on data from gnomAD, the TG allele has an overall frequency of 0.001% (2/251248) total alleles studied. The highest observed frequency was 0.002% (2/113550) of European (non-Finnish) alleles. Based on the available evidence, this alteration is classified as pathogenic.

Literature cited by the submitters: PubMed 19105190 (cited by Labcorp Genetics (formerly Invitae), Labcorp); PubMed 20110243 (cited by Labcorp Genetics (formerly Invitae), Labcorp); PubMed 22154821 (cited by Labcorp Genetics (formerly Invitae), Labcorp); PubMed 26556829 (cited by Labcorp Genetics (formerly Invitae), Labcorp).